The following is an entry in ClinVar:

NM_015909.4(NBAS):c.2504C>T (p.Thr835Ile)

Gene: NBAS (NBAS subunit of NRZ tethering complex; minus strand). Cytogenetic location: 2p24.3.
Variant type: single nucleotide variant.
Coding change: c.2504C>T on transcript NM_015909.4 (MANE Select); coding-DNA position 2504, C replaced by T.
Protein change: p.Thr835Ile; replaces threonine 835 with isoleucine.
Molecular consequence: missense variant. On other transcripts: non-coding transcript variant (1).
Genome position (GRCh38, 1-based): chr2:15,424,388, G>A on the plus strand (C>T on the coding strand, the complement: NBAS is on the minus strand). VCF-style: chr2-15424388-G-A. GRCh37 (hg19) VCF-style: chr2-15564512-G-A.
Other names: short protein forms T835I.
Identifiers: ClinVar variation 2421561 (VCV002421561.3), dbSNP rs2529058122, ClinGen allele CA345889840.

ClinVar aggregate classification (germline): Uncertain significance (1 of 4 stars; one submission).

gnomAD v4.1: 1 of 1,614,068 alleles (0.000062%); highest among the groups gnomAD compares: Non-Finnish European, 0.000085%; no homozygotes.

Submission:

Labcorp Genetics (formerly Invitae), Labcorp
Classification: Uncertain significance. Last evaluated: 2021-12-29. Review status: criteria provided, single submitter. Criteria: Invitae Variant Classification Sherloc (09022015). Collection method: clinical testing. Allele origin: germline.
Comment: This sequence change replaces threonine, which is neutral and polar, with isoleucine, which is neutral and non-polar, at codon 835 of the NBAS protein (p.Thr835Ile). This variant is not present in population databases (gnomAD no frequency). This variant has not been reported in the literature in individuals affected with NBAS-related conditions. Algorithms developed to predict the effect of missense changes on protein structure and function are either unavailable or do not agree on the potential impact of this missense change (SIFT: "Deleterious"; PolyPhen-2: "Benign"; Align-GVGD: "Class C65"). In summary, the available evidence is currently insufficient to determine the role of this variant in disease. Therefore, it has been classified as a Variant of Uncertain Significance.